The following is an entry in ClinVar:

ClinVar aggregate classification (germline): Likely benign. Review status: criteria provided, multiple submitters, no conflicts (2 of 4 stars). 3 submissions from 3 submitters: Likely benign (3). Last evaluated 2025-03-09.

Conditions:
Malignant hyperthermia, susceptibility to, 1 (MHS1). Also called: Anesthesia related hyperthermia; Malignant hyperpyrexia; Fulminating hyperpyrexia; Pharmacogenic myopathy; RYR1-Related Malignant Hyperthermia Susceptibility; Malignant hyperthermia suceptibility 1. Identifiers: Orphanet 423, MedGen C2930980, MONDO:0007783, OMIM 145600.
RYR1-related disorder. Also called: RYR1-related disorders; RYR1-related condition. Identifiers: MedGen CN239331.

Allele frequency attached by ClinVar (database versions not stated): TOPMed 0.00002.
gnomAD v4.1: 18 of 1,613,394 alleles (0.0011%); highest among the groups gnomAD compares: East Asian, 0.0022%; no homozygotes.

Submissions (3):

Labcorp Genetics (formerly Invitae), Labcorp
Classification: Likely benign for RYR1-related disorder. Last evaluated: 2025-03-09. Review status: criteria provided, single submitter. Criteria: Invitae Variant Classification Sherloc (09022015). Collection method: clinical testing. Allele origin: germline.

Color Diagnostics, LLC DBA Color Health
Classification: Likely benign for Malignant hyperthermia, susceptibility to, 1. Last evaluated: 2022-11-06. Review status: criteria provided, single submitter. Criteria: ACMG Guidelines, 2015. Collection method: clinical testing. Allele origin: germline.

CeGaT Center for Human Genetics Tuebingen
Classification: Likely benign. Last evaluated: 2022-10-01. Review status: criteria provided, single submitter. Criteria: CeGaT Center For Human Genetics Tuebingen Variant Classification Criteria Version 2. Collection method: clinical testing. Allele origin: germline. Affected: yes. Observed: 2 variant alleles.
Comment: RYR1: BP4, BP7

NM_000540.3(RYR1):c.5352C>T (p.Ala1784=)

Gene: RYR1 (ryanodine receptor 1; plus strand). Cytogenetic location: 19q13.2.
Variant type: single nucleotide variant.
Coding change: c.5352C>T on transcript NM_000540.3 (MANE Select); coding-DNA position 5352, C replaced by T.
Protein change: p.Ala1784=; no amino-acid change (alanine 1784 retained).
Molecular consequence: synonymous variant.
Genome position (GRCh38, 1-based): chr19:38,486,007, C>T. VCF-style: chr19-38486007-C-T. GRCh37 (hg19) VCF-style: chr19-38976647-C-T.
Other names: c.5352C>T, p.Ala1784= (NM_001042723.2).
Identifiers: ClinVar variation 916239 (VCV000916239.48), dbSNP rs373382967, ClinGen allele CA507353409.